The following is an entry in ClinVar:

ClinVar aggregate classification (germline): Likely benign (1 of 4 stars; one submission).

gnomAD v4.1: 5 of 1,614,072 alleles (0.00031%); highest among the groups gnomAD compares: Non-Finnish European, 0.00042%; no homozygotes.

Submission:

Mayo Clinic Laboratories, Mayo Clinic
Classification: Likely benign. Last evaluated: 2025-05-06. Review status: criteria provided, single submitter. Criteria: ACMG Guidelines, 2015. Collection method: clinical testing. Allele origin: germline. Observed: 1 variant allele.
Comment: BP4, BP7, PM2_supporting

NM_000185.4(SERPIND1):c.153C>T (p.Ser51=)

Genes: PI4KA (phosphatidylinositol 4-kinase alpha; minus strand), SERPIND1 (serpin family D member 1; plus strand). Cytogenetic location: 22q11.21.
Variant type: single nucleotide variant.
Coding change: c.153C>T on transcript NM_000185.4 (MANE Select); coding-DNA position 153, C replaced by T.
Protein change: p.Ser51=; no amino-acid change (serine 51 retained).
Molecular consequence: synonymous variant. On other transcripts: intron variant (3).
Genome position (GRCh38, 1-based): chr22:20,779,465, C>T. VCF-style: chr22-20779465-C-T. GRCh37 (hg19) VCF-style: chr22-21133753-C-T.
Other names: p.Ser51=; c.2262+13728G>A (NM_001362863.2); c.2328+13728G>A (NM_001362862.2, NM_058004.4).
Identifiers: ClinVar variation 4684468 (VCV004684468.1).